The following is an entry in ClinVar:

ClinVar aggregate classification (germline): Uncertain significance (1 of 4 stars; one submission).

Conditions:
Hereditary nonpolyposis colorectal neoplasms. Identifiers: MedGen C0009405, MeSH D003123.

Submission:

Labcorp Genetics (formerly Invitae), Labcorp
Classification: Uncertain significance for Hereditary nonpolyposis colorectal neoplasms. Last evaluated: 2025-02-07. Review status: criteria provided, single submitter. Criteria: Invitae Variant Classification Sherloc (09022015). Collection method: clinical testing. Allele origin: germline.
Comment: This sequence change replaces glycine, which is neutral and non-polar, with valine, which is neutral and non-polar, at codon 723 of the MSH6 protein (p.Gly723Val). This variant is not present in population databases (gnomAD no frequency). This variant has not been reported in the literature in individuals affected with MSH6-related conditions. ClinVar contains an entry for this variant (Variation ID: 1940509). Invitae Evidence Modeling of protein sequence and biophysical properties (such as structural, functional, and spatial information, amino acid conservation, physicochemical variation, residue mobility, and thermodynamic stability) indicates that this missense variant is not expected to disrupt MSH6 protein function with a negative predictive value of 95%. In summary, the available evidence is currently insufficient to determine the role of this variant in disease. Therefore, it has been classified as a Variant of Uncertain Significance.

NM_000179.3(MSH6):c.2168G>T (p.Gly723Val)

Gene: MSH6 (mutS homolog 6; plus strand). Cytogenetic location: 2p16.3.
Variant type: single nucleotide variant.
Coding change: c.2168G>T on transcript NM_000179.3 (MANE Select); coding-DNA position 2168, G replaced by T.
Protein change: p.Gly723Val; replaces glycine 723 with valine.
Molecular consequence: missense variant.
Genome position (GRCh38, 1-based): chr2:47,800,151, G>T. VCF-style: chr2-47800151-G-T. GRCh37 (hg19) VCF-style: chr2-48027290-G-T.
Other names: c.1778G>T, p.Gly593Val (NM_001281492.2); c.1262G>T, p.Gly421Val (NM_001281493.2, NM_001281494.2, NM_001406811.1 and 6 more transcripts); c.2264G>T, p.Gly755Val (NM_001406795.1, NM_001406802.1); c.2168G>T, p.Gly723Val (NM_001406796.1, NM_001406798.1, NM_001406800.1 and 3 more transcripts); c.1871G>T, p.Gly624Val (NM_001406797.1, NM_001406801.1, NM_001406805.1 and 10 more transcripts); c.1643G>T, p.Gly548Val (NM_001406799.1, NM_001406806.1, NM_001406807.1); c.2090G>T, p.Gly697Val (NM_001406804.1); c.2174G>T, p.Gly725Val (NM_001406813.1); and 1 more; short protein forms G624V, G723V, G421V, G593V, G725V, G667V, G548V, G697V.
Identifiers: ClinVar variation 1940509 (VCV001940509.5), dbSNP rs759403696, ClinGen allele CA346751169.
Genomic context (GRCh38, chr2:47,800,151, plus strand): 5'-TGGCTAATTTTGAAGAATATATTCCCTTGGATTCTGACACAGTCAGCACTACAAGATCTG[G>T]TGCTATCTTCACCAAAGCCTATCAACGAATGGTGCTAGATGCAGTGACATTAAACAACTT-3'
Protein context (NP_000170.1, residues 713-733): DSDTVSTTRS[Gly723Val]AIFTKAYQRM